The following is an entry in ClinVar:

ClinVar aggregate classification (germline): Uncertain significance (1 of 4 stars; one submission).

Allele frequency attached by ClinVar (database versions not stated): gnomAD exomes below 0.00001.

Submission:

Labcorp Genetics (formerly Invitae), Labcorp
Classification: Uncertain significance. Last evaluated: 2022-07-24. Review status: criteria provided, single submitter. Criteria: Invitae Variant Classification Sherloc (09022015). Collection method: clinical testing. Allele origin: germline.
Comment: In summary, the available evidence is currently insufficient to determine the role of this variant in disease. Therefore, it has been classified as a Variant of Uncertain Significance. Algorithms developed to predict the effect of missense changes on protein structure and function output the following: SIFT: "Not Available"; PolyPhen-2: "Benign"; Align-GVGD: "Not Available". The serine amino acid residue is found in multiple mammalian species, which suggests that this missense change does not adversely affect protein function. This variant has not been reported in the literature in individuals affected with C9-related conditions. This variant is present in population databases (rs374608279, gnomAD 0.006%). This sequence change replaces proline, which is neutral and non-polar, with serine, which is neutral and polar, at codon 531 of the C9 protein (p.Pro531Ser).

NM_001737.5(C9):c.1591C>T (p.Pro531Ser)

Gene: C9 (complement C9; minus strand). Cytogenetic location: 5p13.1.
Variant type: single nucleotide variant.
Coding change: c.1591C>T on transcript NM_001737.5 (MANE Select); coding-DNA position 1591, C replaced by T.
Protein change: p.Pro531Ser; replaces proline 531 with serine.
Molecular consequence: missense variant.
Genome position (GRCh38, 1-based): chr5:39,288,777, G>A on the plus strand (C>T on the coding strand, the complement: C9 is on the minus strand). VCF-style: chr5-39288777-G-A. GRCh37 (hg19) VCF-style: chr5-39288879-G-A.
Other names: short protein forms P531S.
Identifiers: ClinVar variation 2420817 (VCV002420817.6), dbSNP rs374608279, ClinGen allele CA3246653.